The following is an entry in ClinVar:

NM_013275.6(ANKRD11):c.6009C>T (p.Ala2003=)

Gene: ANKRD11 (ankyrin repeat domain 11; minus strand). Cytogenetic location: 16q24.3.
Variant type: single nucleotide variant.
Coding change: c.6009C>T on transcript NM_013275.6 (MANE Select); coding-DNA position 6009, C replaced by T.
Protein change: p.Ala2003=; no amino-acid change (alanine 2003 retained).
Molecular consequence: synonymous variant.
Genome position (GRCh38, 1-based): chr16:89,280,533, G>A on the plus strand (C>T on the coding strand, the complement: ANKRD11 is on the minus strand). VCF-style: chr16-89280533-G-A. GRCh37 (hg19) VCF-style: chr16-89346941-G-A.
Other names: c.6009C>T, p.Ala2003= (NM_001256182.2, NM_001256183.2).
Identifiers: ClinVar variation 3054871 (VCV003054871.3), dbSNP rs547762539, ClinGen allele CA8241638.

ClinVar aggregate classification (germline): Likely benign. Review status: criteria provided, single submitter (1 of 4 stars). 2 submissions from 2 submitters: Likely benign (1). 1 of the submissions does not count toward it. Last evaluated 2024-06-25.

Conditions:
ANKRD11-related disorder. Also called: ANKRD11-related condition.

Allele frequency attached by ClinVar (database versions not stated): gnomAD 0.00007; TOPMed 0.00008; ExAC 0.00012; 1000 Genomes Project 30x 0.00031; 1000 Genomes Project 0.00040.
gnomAD v4.1: 61 of 1,612,304 alleles (0.0038%); highest among the groups gnomAD compares: East Asian, 0.025%; no homozygotes.

Submissions (2):

Blueprint Genetics
Classification: Likely benign. Last evaluated: 2024-06-25. Review status: criteria provided, single submitter. Criteria: ACMG Guidelines, 2015. Collection method: clinical testing. Allele origin: germline.

PreventionGenetics, part of Exact Sciences
Classification: Likely benign for ANKRD11-related condition. Last evaluated: 2021-12-02. Review status: no assertion criteria provided. Collection method: clinical testing. Allele origin: germline. Not counted in ClinVar's aggregate classification.
Comment: This variant is classified as likely benign based on ACMG/AMP sequence variant interpretation guidelines (Richards et al. 2015 PMID: 25741868, with internal and published modifications).